The following is an entry in ClinVar:

NM_000138.5(FBN1):c.1584C>A (p.Cys528Ter)

Gene: FBN1 (fibrillin 1; minus strand). Cytogenetic location: 15q21.1.
Variant type: single nucleotide variant.
Coding change: c.1584C>A on transcript NM_000138.5 (MANE Select); coding-DNA position 1584, C replaced by A.
Protein change: p.Cys528Ter; replaces cysteine 528 with a stop codon.
Molecular consequence: nonsense.
Genome position (GRCh38, 1-based): chr15:48,513,553, G>T on the plus strand (C>A on the coding strand, the complement: FBN1 is on the minus strand). VCF-style: chr15-48513553-G-T. GRCh37 (hg19) VCF-style: chr15-48805750-G-T.
Other names: p.Cys528*; c.1584C>A, p.Cys528Ter (NM_001406716.1); short protein forms C528*.
Identifiers: ClinVar variation 2683671 (VCV002683671.4), dbSNP rs2505613456, ClinGen allele CA392341963.

ClinVar aggregate classification (germline): Pathogenic. Review status: criteria provided, multiple submitters, no conflicts (2 of 4 stars). 2 submissions from 2 submitters: Pathogenic (2). Last evaluated 2025-09-25.

Conditions:
Familial thoracic aortic aneurysm and aortic dissection (TAAD). Also called: Thoracic aortic aneurysms and dissections. Identifiers: Orphanet 91387, MedGen C4707243, MONDO:0019625.
Marfan syndrome (MFS). Also called: MARFAN SYNDROME, TYPE I; Marfan syndrome type 1; Marfan's syndrome; Marfan syndrome, classic; FBN1-Related Marfan Syndrome. Identifiers: Orphanet 284963, Orphanet 558, MedGen C0024796, MONDO:0007947, OMIM 154700.

Submissions (2):

Labcorp Genetics (formerly Invitae), Labcorp
Classification: Pathogenic for Marfan syndrome; Familial thoracic aortic aneurysm and aortic dissection. Last evaluated: 2025-09-25. Review status: criteria provided, single submitter. Criteria: Invitae Variant Classification Sherloc (09022015). Collection method: clinical testing. Allele origin: germline.
Comment: This sequence change creates a premature translational stop signal (p.Cys528*) in the FBN1 gene. It is expected to result in an absent or disrupted protein product. Loss-of-function variants in FBN1 are known to be pathogenic (PMID: 17657824, 19293843). This variant is not present in population databases (gnomAD no frequency). This variant has not been reported in the literature in individuals affected with FBN1-related conditions. ClinVar contains an entry for this variant (Variation ID: 2683671). For these reasons, this variant has been classified as Pathogenic.

Mayo Clinic Laboratories, Mayo Clinic
Classification: Pathogenic. Last evaluated: 2023-03-13. Review status: criteria provided, single submitter. Criteria: ACMG Guidelines, 2015. Collection method: clinical testing. Allele origin: germline. Observed: 1 variant allele.
Comment: PP4, PM2_supporting, PVS1

Literature cited by the submitters: PubMed 17657824 (cited by Labcorp Genetics (formerly Invitae), Labcorp); PubMed 19293843 (cited by Labcorp Genetics (formerly Invitae), Labcorp).